The following is an entry in ClinVar:

ClinVar aggregate classification (germline): Uncertain significance (1 of 4 stars; one submission).

Allele frequency attached by ClinVar (database versions not stated): ExAC 0.00002; gnomAD 0.00002; gnomAD exomes 0.00002; TOPMed 0.00002.
gnomAD v4.1: 29 of 1,614,002 alleles (0.0018%); highest among the groups gnomAD compares: Admixed American, 0.0067%; no homozygotes.

Submission:

Labcorp Genetics (formerly Invitae), Labcorp
Classification: Uncertain significance. Last evaluated: 2023-08-27. Review status: criteria provided, single submitter. Criteria: Invitae Variant Classification Sherloc (09022015). Collection method: clinical testing. Allele origin: germline.
Comment: In summary, the available evidence is currently insufficient to determine the role of this variant in disease. Therefore, it has been classified as a Variant of Uncertain Significance. Advanced modeling of protein sequence and biophysical properties (such as structural, functional, and spatial information, amino acid conservation, physicochemical variation, residue mobility, and thermodynamic stability) performed at Invitae indicates that this missense variant is not expected to disrupt SRCAP protein function. ClinVar contains an entry for this variant (Variation ID: 1909196). This variant has not been reported in the literature in individuals affected with SRCAP-related conditions. This variant is present in population databases (rs773970011, gnomAD 0.004%). This sequence change replaces arginine, which is basic and polar, with tryptophan, which is neutral and slightly polar, at codon 1332 of the SRCAP protein (p.Arg1332Trp).

NM_006662.3(SRCAP):c.3994C>T (p.Arg1332Trp)

Gene: SRCAP (Snf2 related CREBBP activator protein; plus strand). Cytogenetic location: 16p11.2.
Variant type: single nucleotide variant.
Coding change: c.3994C>T on transcript NM_006662.3 (MANE Select); coding-DNA position 3994, C replaced by T.
Protein change: p.Arg1332Trp; replaces arginine 1332 with tryptophan.
Molecular consequence: missense variant.
Genome position (GRCh38, 1-based): chr16:30,723,064, C>T. VCF-style: chr16-30723064-C-T. GRCh37 (hg19) VCF-style: chr16-30734385-C-T.
Other names: short protein forms R1332W.
Identifiers: ClinVar variation 1909196 (VCV001909196.4), dbSNP rs773970011, ClinGen allele CA8011639.